The following is an entry in ClinVar:

ClinVar aggregate classification (germline): Uncertain significance (1 of 4 stars; one submission).

Submission:

Labcorp Genetics (formerly Invitae), Labcorp
Classification: Uncertain significance. Last evaluated: 2025-06-11. Review status: criteria provided, single submitter. Criteria: Invitae Variant Classification Sherloc (09022015). Collection method: clinical testing. Allele origin: germline.
Comment: This sequence change replaces threonine, which is neutral and polar, with asparagine, which is neutral and polar, at codon 603 of the MYO7A protein (p.Thr603Asn). This variant is not present in population databases (gnomAD no frequency). This variant has not been reported in the literature in individuals affected with MYO7A-related conditions. Invitae Evidence Modeling of protein sequence and biophysical properties (such as structural, functional, and spatial information, amino acid conservation, physicochemical variation, residue mobility, and thermodynamic stability) has been performed for this missense variant. However, the output from this modeling did not meet the statistical confidence thresholds required to predict the impact of this variant on MYO7A protein function. In summary, the available evidence is currently insufficient to determine the role of this variant in disease. Therefore, it has been classified as a Variant of Uncertain Significance.

NM_000260.4(MYO7A):c.1808C>A (p.Thr603Asn)

Gene: MYO7A (myosin VIIA; plus strand). Cytogenetic location: 11q13.5.
Variant type: single nucleotide variant.
Coding change: c.1808C>A on transcript NM_000260.4 (MANE Select); coding-DNA position 1808, C replaced by A.
Protein change: p.Thr603Asn; replaces threonine 603 with asparagine.
Molecular consequence: missense variant.
Genome position (GRCh38, 1-based): chr11:77,172,758, C>A. VCF-style: chr11-77172758-C-A. GRCh37 (hg19) VCF-style: chr11-76883804-C-A.
Other names: c.1808C>A, p.Thr603Asn (NM_001127180.2); c.1775C>A, p.Thr592Asn (NM_001369365.1); short protein forms T592N, T603N.
Identifiers: ClinVar variation 4800478 (VCV004800478.1).